The following is an entry in ClinVar:

NM_015665.6(AAAS):c.500C>A (p.Ala167Glu)

Gene: AAAS (aladin WD repeat nucleoporin; minus strand). Cytogenetic location: 12q13.13.
Variant type: single nucleotide variant.
Coding change: c.500C>A on transcript NM_015665.6 (MANE Select); coding-DNA position 500, C replaced by A.
Protein change: p.Ala167Glu; replaces alanine 167 with glutamic acid.
Molecular consequence: missense variant. On other transcripts: intron variant (1).
Genome position (GRCh38, 1-based): chr12:53,314,796, G>T on the plus strand (C>A on the coding strand, the complement: AAAS is on the minus strand). VCF-style: chr12-53314796-G-T. GRCh37 (hg19) VCF-style: chr12-53708580-G-T.
Other names: c.446+298C>A (NM_001173466.2); short protein forms A167E.
Identifiers: ClinVar variation 373167 (VCV000373167.7), dbSNP rs1017700992, ClinGen allele CA16042909.

ClinVar aggregate classification (germline): Pathogenic/Likely pathogenic. Review status: criteria provided, multiple submitters, no conflicts (2 of 4 stars). 3 submissions from 3 submitters: Pathogenic (1); Likely pathogenic (2). Last evaluated 2025-06-18.

Conditions:
Glucocorticoid deficiency with achalasia (AAAS). Also called: ALACRIMA-ACHALASIA-ADRENAL INSUFFICIENCY NEUROLOGIC DISORDER; Addisonian achalasia syndrome; Achalasia-Addisonianism-Alacrima (Triple-A) Syndrome; Triple-A syndrome; AAA syndrome; Allgrove syndrome. Identifiers: Orphanet 869, MedGen C0271742, MONDO:0009279, OMIM 231550.

Allele frequency attached by ClinVar (database versions not stated): TOPMed 0.00001.

Submissions (3):

Women's Health and Genetics/Laboratory Corporation of America, LabCorp
Classification: Likely pathogenic for Glucocorticoid deficiency with achalasia. Last evaluated: 2025-06-18. Review status: criteria provided, single submitter. Criteria: LabCorp Variant Classification Summary - May 2015. Collection method: clinical testing. Allele origin: germline.
Comment: Variant summary: AAAS c.500C>A (p.Ala167Glu) results in a non-conservative amino acid change in the encoded protein sequence. Algorithms developed to predict the effect of missense changes on protein structure and function all suggest that this variant is likely to be disruptive. The variant was absent in 250988 control chromosomes. c.500C>A has been observed in individual(s) affected with Glucocorticoid Deficiency With Achalasia (example: Bouliari_2020). These data indicate that the variant may be associated with disease. A different variant affecting the same codon has been classified as pathogenic by our lab (c.500C>T, p.Ala167Val), supporting the critical relevance of codon 167 to AAAS protein function. To our knowledge, no experimental evidence demonstrating an impact on protein function has been reported. The following publication has been ascertained in the context of this evaluation (PMID: 30612286). ClinVar contains an entry for this variant (Variation ID: 373167). Based on the evidence outlined above, the variant was classified as likely pathogenic.

Labcorp Genetics (formerly Invitae), Labcorp
Classification: Pathogenic. Last evaluated: 2022-03-11. Review status: criteria provided, single submitter. Criteria: Invitae Variant Classification Sherloc (09022015). Collection method: clinical testing. Allele origin: germline.
Comment: ClinVar contains an entry for this variant (Variation ID: 373167). This sequence change replaces alanine, which is neutral and non-polar, with glutamic acid, which is acidic and polar, at codon 167 of the AAAS protein (p.Ala167Glu). This variant is not present in population databases (gnomAD no frequency). This missense change has been observed in individual(s) with glucocorticoid deficiency with achalasia, also known as achalasia addisonianism alacrimia syndrome (PMID: 30612286). In at least one individual the data is consistent with being in trans (on the opposite chromosome) from a pathogenic variant. It has also been observed to segregate with disease in related individuals. Algorithms developed to predict the effect of missense changes on protein structure and function (SIFT, PolyPhen-2, Align-GVGD) all suggest that this variant is likely to be disruptive. Algorithms developed to predict the effect of sequence changes on RNA splicing suggest that this variant may create or strengthen a splice site. This variant disrupts the p.Ala167 amino acid residue in AAAS. Other variant(s) that disrupt this residue have been determined to be pathogenic (PMID: 16609705, 18953174, 21626165). This suggests that this residue is clinically significant, and that variants that disrupt this residue are likely to be disease-causing. For these reasons, this variant has been classified as Pathogenic.

GeneDx
Classification: Likely pathogenic. Last evaluated: 2016-11-11. Review status: criteria provided, single submitter. Criteria: GeneDx Variant Classification (06012015). Collection method: clinical testing. Allele origin: germline. Affected: yes.
Comment: The A167E variant has not been published as a pathogenic variant, nor has it been reported as a benign variant to our knowledge. The variant was not observed in approximately 6,500 individuals of European and African American ancestry in the NHLBI Exome Sequencing Project, indicating it is not a common benign variant in these populations. A167E is a non-conservative amino acid substitution, which is likely to impact secondary protein structure as these residues differ in polarity, charge, size and/or other properties. This substitution occurs at a position that is conserved across species, and in silico analysis predicts this variant is probably damaging to the protein structure/function. Additionally, a missense variant in the same residue (A167V) has been reported in the Human Gene Mutation Database in association with Triple-A syndrome (Stenson et al., 2014), supporting the functional importance of this region of the protein. Therefore, this variant is likely pathogenic; however, the possibility that it is benign cannot be excluded.

Literature cited by the submitters: PubMed 30612286 (cited by Women's Health and Genetics/Laboratory Corporation of America, LabCorp and Labcorp Genetics (formerly Invitae), Labcorp); PubMed 16609705 (cited by Labcorp Genetics (formerly Invitae), Labcorp); PubMed 18953174 (cited by Labcorp Genetics (formerly Invitae), Labcorp); PubMed 21626165 (cited by Labcorp Genetics (formerly Invitae), Labcorp).